The following is an entry in ClinVar:

ClinVar aggregate classification (germline): Benign/Likely benign. Review status: criteria provided, multiple submitters, no conflicts (2 of 4 stars). 10 submissions from 10 submitters: Benign (2); Likely benign (3). 5 of the submissions do not count toward it. Last evaluated 2026-08-01.

Conditions:
Cardiovascular phenotype. Identifiers: MedGen CN230736.
Brugada syndrome. Also called: Sudden unexplained nocturnal death syndrome; Sudden Unexplained Death Syndrome; Sudden Unexplained Nocturnal Death Syndrome (SUNDS); Sudden unexpected nocturnal death syndrome. Identifiers: Orphanet 130, MedGen C1142166, MONDO:0015263.
CACNA2D1-related disorder. Also called: CACNA2D1-related condition.

Allele frequency attached by ClinVar (database versions not stated): 1000 Genomes Project 30x 0.00031; 1000 Genomes Project 0.00040; gnomAD 0.00226 and 0.00228; TOPMed 0.00238; gnomAD exomes 0.00254 and 0.00344; ExAC 0.00269; ESP Exome Variant Server 0.00369.
gnomAD v4.1: 5,270 of 1,588,146 alleles (0.33%); highest among the groups gnomAD compares: Non-Finnish European, 0.4%; 13 homozygotes.

Submissions (10):

CeGaT Center for Human Genetics Tuebingen
Classification: Benign. Last evaluated: 2026-08-01. Review status: criteria provided, single submitter. Criteria: CeGaT Center For Human Genetics Tuebingen Variant Classification Criteria Version 2. Collection method: clinical testing. Allele origin: germline. Affected: yes. Observed: 3 variant alleles.
Comment: CACNA2D1: PP2, BS1, BS2

Labcorp Genetics (formerly Invitae), Labcorp
Classification: Likely benign for Brugada syndrome. Last evaluated: 2026-01-26. Review status: criteria provided, single submitter. Criteria: Invitae Variant Classification Sherloc (09022015). Collection method: clinical testing. Allele origin: germline.

Mayo Clinic Laboratories, Mayo Clinic
Classification: Benign. Last evaluated: 2024-08-29. Review status: criteria provided, single submitter. Criteria: ACMG Guidelines, 2015. Collection method: clinical testing. Allele origin: germline. Observed: 5 variant alleles.
Comment: BS1, BS2, BP4, PP2

GeneDx
Classification: Likely benign. Last evaluated: 2022-03-03. Review status: criteria provided, single submitter. Criteria: GeneDx Variant Classification Process June 2021. Collection method: clinical testing. Allele origin: germline. Affected: yes.
Comment: This variant is associated with the following publications: (PMID: 23874304, 30027834, 27711072, 25527503, 23414114, 20817017, 26498160, 22840528, 26707467, 30821013)

Ambry Genetics
Classification: Likely benign for Cardiovascular phenotype. Last evaluated: 2021-11-10. Review status: criteria provided, single submitter. Criteria: Ambry Variant Classification Scheme 2023. Collection method: clinical testing. Allele origin: germline.

PreventionGenetics, part of Exact Sciences
Classification: Likely benign for CACNA2D1-related condition. Last evaluated: 2019-03-27. Review status: no assertion criteria provided. Collection method: clinical testing. Allele origin: germline. Not counted in ClinVar's aggregate classification.
Comment: This variant is classified as likely benign based on ACMG/AMP sequence variant interpretation guidelines (Richards et al. 2015 PMID: 25741868, with internal and published modifications).

Clinical Genetics, Academic Medical Center
Classification: Benign. Review status: no assertion criteria provided. Collection method: clinical testing. Allele origin: germline. Affected: yes. Study: VKGL Data-share Consensus. Not counted in ClinVar's aggregate classification.

Genome Diagnostics Laboratory, University Medical Center Utrecht
Classification: Likely benign. Review status: no assertion criteria provided. Collection method: clinical testing. Allele origin: germline. Affected: yes. Study: VKGL Data-share Consensus. Not counted in ClinVar's aggregate classification.

Joint Genome Diagnostic Labs from Nijmegen and Maastricht, Radboudumc and MUMC+
Classification: Benign. Review status: no assertion criteria provided. Collection method: clinical testing. Allele origin: germline. Affected: yes. Study: VKGL Data-share Consensus. Not counted in ClinVar's aggregate classification.

Laboratory of Diagnostic Genome Analysis, Leiden University Medical Center (LUMC)
Classification: Likely benign. Review status: no assertion criteria provided. Collection method: clinical testing. Allele origin: germline. Affected: yes. Study: VKGL Data-share Consensus. Not counted in ClinVar's aggregate classification.

Literature cited by the submitters: PubMed 30821013 (cited by Mayo Clinic Laboratories, Mayo Clinic).

NM_000722.4(CACNA2D1):c.2126G>A (p.Ser709Asn)

Gene: CACNA2D1 (calcium voltage-gated channel auxiliary subunit alpha2delta 1; minus strand). Cytogenetic location: 7q21.11.
Variant type: single nucleotide variant.
Coding change: c.2126G>A on transcript NM_000722.4 (MANE Select); coding-DNA position 2126, G replaced by A.
Protein change: p.Ser709Asn; replaces serine 709 with asparagine.
Molecular consequence: missense variant.
Genome position (GRCh38, 1-based): chr7:81,971,792, C>T on the plus strand (G>A on the coding strand, the complement: CACNA2D1 is on the minus strand). VCF-style: chr7-81971792-C-T. GRCh37 (hg19) VCF-style: chr7-81601108-C-T.
Other names: p.Ser709Asn; c.2126G>A (LRG_437t1); c.2162G>A, p.Ser721Asn (NM_001366867.1); short protein forms S709N, S721N.
Identifiers: ClinVar variation 416572 (VCV000416572.32), dbSNP rs78086631, ClinGen allele CA4317747.